The following is an entry in ClinVar:

ClinVar aggregate classification (germline): Likely benign (0 of 4 stars; one submission).

Conditions:
KSR2-related disorder. Also called: KSR2-related condition.

Allele frequency attached by ClinVar (database versions not stated): gnomAD 0.00002.
gnomAD v4.1: 74 of 1,613,302 alleles (0.0046%); highest among the groups gnomAD compares: South Asian, 0.011%; no homozygotes.

Submission:

PreventionGenetics, part of Exact Sciences
Classification: Likely benign for KSR2-related condition. Last evaluated: 2021-02-08. Review status: no assertion criteria provided. Collection method: clinical testing. Allele origin: germline.
Comment: This variant is classified as likely benign based on ACMG/AMP sequence variant interpretation guidelines (Richards et al. 2015 PMID: 25741868, with internal and published modifications).

NM_173598.6(KSR2):c.1740G>A (p.Pro580=)

Gene: KSR2 (kinase suppressor of ras 2; minus strand). Cytogenetic location: 12q24.22.
Variant type: single nucleotide variant.
Coding change: c.1740G>A on transcript NM_173598.6 (MANE Select); coding-DNA position 1740, G replaced by A.
Protein change: p.Pro580=; no amino-acid change (proline 580 retained).
Molecular consequence: synonymous variant.
Genome position (GRCh38, 1-based): chr12:117,531,003, C>T on the plus strand (G>A on the coding strand, the complement: KSR2 is on the minus strand). VCF-style: chr12-117531003-C-T. GRCh37 (hg19) VCF-style: chr12-117968808-C-T.
Identifiers: ClinVar variation 3031198 (VCV003031198.2), dbSNP rs768440495, ClinGen allele CA6815922.